The following is an entry in ClinVar:

NM_152564.5(VPS13B):c.6523_6526del (p.Arg2175fs)

Gene: VPS13B (vacuolar protein sorting 13 homolog B; plus strand). Cytogenetic location: 8q22.2.
Variant type: Microsatellite.
Coding change: c.6523_6526del on transcript NM_152564.5 (MANE Select); coding-DNA positions 6523 to 6526, 4 bases deleted (AGAA; older notation c.6523_6526delAGAA).
Protein change: p.Arg2175fs; shifts the reading frame from arginine 2175.
Molecular consequence: frameshift variant.
Genome position (GRCh38, 1-based): chr8:99,717,239-99,717,242, AGAA deleted; deleting any 4 consecutive bases within chr8:99,717,233-99,717,242 gives the same sequence; the c. name uses the placement nearest the transcript's 3' end. VCF-style (leftmost placement, unchanged base first): chr8-99717232-CAAAG-C. GRCh37 (hg19) VCF-style: chr8-100729460-CAAAG-C.
Other names: c.6598_6601del, p.Arg2200fs (NM_017890.5); short protein forms R2175fs, R2200fs.
Identifiers: ClinVar variation 2718980 (VCV002718980.3), dbSNP rs2491561874, ClinGen allele CA2697550038.

ClinVar aggregate classification (germline): Pathogenic (1 of 4 stars; one submission).

Conditions:
Cohen syndrome (COH1). Also called: Cutis verticis gyrata, retinitis pigmentosa, and sensorineural deafness; PEPPER SYNDROME. Identifiers: Orphanet 193, MedGen C0265223, MONDO:0008999, OMIM 216550.

Submission:

Labcorp Genetics (formerly Invitae), Labcorp
Classification: Pathogenic for Cohen syndrome. Last evaluated: 2023-06-18. Review status: criteria provided, single submitter. Criteria: Invitae Variant Classification Sherloc (09022015). Collection method: clinical testing. Allele origin: germline.
Comment: For these reasons, this variant has been classified as Pathogenic. This variant has not been reported in the literature in individuals affected with VPS13B-related conditions. This variant is not present in population databases (gnomAD no frequency). This sequence change creates a premature translational stop signal (p.Arg2200Alafs*4) in the VPS13B gene. It is expected to result in an absent or disrupted protein product. Loss-of-function variants in VPS13B are known to be pathogenic (PMID: 15141358, 16648375, 20461111).

Literature cited by the submitters: PubMed 15141358; PubMed 16648375; PubMed 20461111.